The following is an entry in ClinVar:

NM_001365276.2(TNXB):c.3881A>G (p.Gln1294Arg)

Gene: TNXB (tenascin XB; minus strand). Cytogenetic location: 6p21.33.
Variant type: single nucleotide variant.
Coding change: c.3881A>G on transcript NM_001365276.2 (MANE Select); coding-DNA position 3881, A replaced by G.
Protein change: p.Gln1294Arg; replaces glutamine 1294 with arginine.
Molecular consequence: missense variant.
Genome position (GRCh38, 1-based): chr6:32,081,529, T>C on the plus strand (A>G on the coding strand, the complement: TNXB is on the minus strand). VCF-style: chr6-32081529-T-C. GRCh37 (hg19) VCF-style: chr6-32049306-T-C.
Other names: c.3881A>G, p.Gln1294Arg (NM_019105.8); short protein forms Q1294R.
Identifiers: ClinVar variation 1735815 (VCV001735815.2), dbSNP rs1414662938, ClinGen allele CA363433420.

ClinVar aggregate classification (germline): Uncertain significance (1 of 4 stars; one submission).

Conditions:
Cardiovascular phenotype. Identifiers: MedGen CN230736.

Allele frequency attached by ClinVar (database versions not stated): gnomAD exomes below 0.00001; gnomAD 0.00001.
gnomAD v4.1: 5 of 1,607,306 alleles (0.00031%); highest among the groups gnomAD compares: African/African-American, 0.0027%; no homozygotes.

Submission:

Ambry Genetics
Classification: Uncertain significance for Cardiovascular phenotype. Last evaluated: 2020-01-24. Review status: criteria provided, single submitter. Criteria: Ambry Variant Classification Scheme 2023. Collection method: clinical testing. Allele origin: germline.
Comment: The p.Q1294R variant (also known as c.3881A>G), located in coding exon 9 of the TNXB gene, results from an A to G substitution at nucleotide position 3881. The glutamine at codon 1294 is replaced by arginine, an amino acid with highly similar properties. This amino acid position is well conserved in available vertebrate species. In addition, this alteration is predicted to be tolerated by in silico analysis. Since supporting evidence is limited at this time, the clinical significance of this alteration remains unclear.